The following is an entry in ClinVar:

NM_000179.3(MSH6):c.3590C>T (p.Thr1197Ile)

Gene: MSH6 (mutS homolog 6; plus strand). Cytogenetic location: 2p16.3.
Variant type: single nucleotide variant.
Coding change: c.3590C>T on transcript NM_000179.3 (MANE Select); coding-DNA position 3590, C replaced by T.
Protein change: p.Thr1197Ile; replaces threonine 1197 with isoleucine.
Molecular consequence: missense variant.
Genome position (GRCh38, 1-based): chr2:47,805,651, C>T. VCF-style: chr2-47805651-C-T. GRCh37 (hg19) VCF-style: chr2-48032790-C-T.
Other names: c.3200C>T, p.Thr1067Ile (NM_001281492.2); c.2684C>T, p.Thr895Ile (NM_001281493.2, NM_001281494.2); short protein forms T1067I, T1197I, T895I.
Identifiers: ClinVar variation 823965 (VCV000823965.12), dbSNP rs1298129961, ClinGen allele CA346760533.

ClinVar aggregate classification (germline): Uncertain significance. Review status: criteria provided, multiple submitters, no conflicts (2 of 4 stars). 2 submissions from 2 submitters: Uncertain significance (2). Last evaluated 2025-04-23.

Conditions:
Hereditary cancer-predisposing syndrome. Also called: Neoplastic Syndromes, Hereditary; Tumor predisposition; Hereditary neoplastic syndrome; Hereditary Cancer Syndrome. Identifiers: Orphanet 140162, MedGen C0027672, MeSH D009386, MONDO:0015356.
Hereditary nonpolyposis colorectal neoplasms. Identifiers: MedGen C0009405, MeSH D003123.

gnomAD v4.1: 1 of 1,611,688 alleles (0.000062%); highest among the groups gnomAD compares: Non-Finnish European, 0.000085%; no homozygotes.

Submissions (2):

Labcorp Genetics (formerly Invitae), Labcorp
Classification: Uncertain significance for Hereditary nonpolyposis colorectal neoplasms. Last evaluated: 2025-04-23. Review status: criteria provided, single submitter. Criteria: Invitae Variant Classification Sherloc (09022015). Collection method: clinical testing. Allele origin: germline.
Comment: This sequence change replaces threonine, which is neutral and polar, with isoleucine, which is neutral and non-polar, at codon 1197 of the MSH6 protein (p.Thr1197Ile). This variant is not present in population databases (gnomAD no frequency). This variant has not been reported in the literature in individuals affected with MSH6-related conditions. ClinVar contains an entry for this variant (Variation ID: 823965). Invitae Evidence Modeling of protein sequence and biophysical properties (such as structural, functional, and spatial information, amino acid conservation, physicochemical variation, residue mobility, and thermodynamic stability) has been performed for this missense variant. However, the output from this modeling did not meet the statistical confidence thresholds required to predict the impact of this variant on MSH6 protein function. In summary, the available evidence is currently insufficient to determine the role of this variant in disease. Therefore, it has been classified as a Variant of Uncertain Significance.

Ambry Genetics
Classification: Uncertain significance for Hereditary cancer-predisposing syndrome. Last evaluated: 2019-05-31. Review status: criteria provided, single submitter. Criteria: Ambry Variant Classification Scheme 2023. Collection method: clinical testing. Allele origin: germline.
Comment: The p.T1197I variant (also known as c.3590C>T), located in coding exon 7 of the MSH6 gene, results from a C to T substitution at nucleotide position 3590. The threonine at codon 1197 is replaced by isoleucine, an amino acid with similar properties. This amino acid position is highly conserved in available vertebrate species. In addition, this alteration is predicted to be deleterious by in silico analysis. In addition, the CoDP in silico tool predicts this alteration to have likely impact on molecular function, with a score of 0.913 (Terui H et al. J. Biomed. Sci. 2013 Apr;20:25). Since supporting evidence is limited at this time, the clinical significance of this alteration remains unclear.